The following is an entry in ClinVar:

NM_001009944.3(PKD1):c.10405G>A (p.Asp3469Asn)

Gene: PKD1 (polycystin 1, transient receptor potential channel interacting; minus strand). Cytogenetic location: 16p13.3.
Variant type: single nucleotide variant.
Coding change: c.10405G>A on transcript NM_001009944.3 (MANE Select); coding-DNA position 10405, G replaced by A.
Protein change: p.Asp3469Asn; replaces aspartic acid 3469 with asparagine.
Molecular consequence: missense variant.
Genome position (GRCh38, 1-based): chr16:2,097,319, C>T on the plus strand (G>A on the coding strand, the complement: PKD1 is on the minus strand). VCF-style: chr16-2097319-C-T. GRCh37 (hg19) VCF-style: chr16-2147320-C-T.
Other names: c.10402G>A, p.Asp3468Asn (NM_000296.4); short protein forms D3469N, D3468N.
Identifiers: ClinVar variation 3579025 (VCV003579025.3).

ClinVar aggregate classification (germline): Conflicting classifications of pathogenicity. Review status: criteria provided, conflicting classifications (1 of 4 stars). 3 submissions from 3 submitters: Likely pathogenic (2); Uncertain significance (1). Last evaluated 2025-06-24.

Conditions:
PKD1-related disorder. Also called: PKD1-related condition.
Polycystic kidney disease, adult type (PKD1). Also called: Polycystic Kidney Disease 1, Autosomal Dominant; Polycystic kidney disease 1; Polycystic kidney disease 1, severe; Polycystic Kidney, Autosomal Dominant; POLYCYSTIC KIDNEY DISEASE, ADULT, TYPE I; POLYCYSTIC KIDNEY DISEASE 1 WITH OR WITHOUT POLYCYSTIC LIVER DISEASE. Identifiers: MedGen C3149841, MONDO:0008263, OMIM 173900.

gnomAD v4.1: 1 of 1,612,902 alleles (0.000062%); no homozygotes.

Submissions (3):

Women's Health and Genetics/Laboratory Corporation of America, LabCorp
Classification: Uncertain significance. Last evaluated: 2025-06-24. Review status: criteria provided, single submitter. Criteria: LabCorp Variant Classification Summary - May 2015. Collection method: clinical testing. Allele origin: germline.
Comment: Variant summary: PKD1 c.10405G>A (p.Asp3469Asn) results in a conservative amino acid change in the encoded protein sequence. Algorithms developed to predict the effect of missense changes on protein structure and function are either unavailable or do not agree on the potential impact of this missense change. The variant allele was found at a frequency of 4e-06 in 247720 control chromosomes (gnomAD). The available data on variant occurrences in the general population are insufficient to allow any conclusion about variant significance. c.10405G>A has been observed in individuals affected with Polycystic Kidney Disease 1 (e.g, Kim_2019). These data do not allow any conclusion about variant significance. To our knowledge, no experimental evidence demonstrating an impact on protein function has been reported. The following publications have been ascertained in the context of this evaluation (PMID: 31740684, 26823553). ClinVar contains an entry for this variant (Variation ID: 3579025). Based on the evidence outlined above, the variant was classified as uncertain significance.

Fulgent Genetics
Classification: Likely pathogenic for Polycystic kidney disease, adult type. Last evaluated: 2024-06-18. Review status: criteria provided, single submitter. Criteria: ACMG Guidelines, 2015. Collection method: clinical testing. Allele origin: germline.

Blueprint Genetics
Classification: Likely pathogenic for PKD1-related disorders. Last evaluated: 2022-08-19. Review status: criteria provided, single submitter. Criteria: ACMG Guidelines, 2015. Collection method: clinical testing. Allele origin: germline. Affected: yes. Observed: 1 variant allele.

Literature cited by the submitters: PubMed 31740684 (cited by Women's Health and Genetics/Laboratory Corporation of America, LabCorp); PubMed 26823553 (cited by Women's Health and Genetics/Laboratory Corporation of America, LabCorp).